The following is an entry in ClinVar:

NM_002087.4(GRN):c.635G>A (p.Arg212Gln)

Gene: GRN (granulin precursor; plus strand). Cytogenetic location: 17q21.31.
Variant type: single nucleotide variant.
Coding change: c.635G>A on transcript NM_002087.4 (MANE Select); coding-DNA position 635, G replaced by A.
Protein change: p.Arg212Gln; replaces arginine 212 with glutamine.
Molecular consequence: missense variant.
Genome position (GRCh38, 1-based): chr17:44,350,727, G>A. VCF-style: chr17-44350727-G-A. GRCh37 (hg19) VCF-style: chr17-42428095-G-A.
Other names: c.635G>A (NM_002087.2); short protein forms R212Q.
Identifiers: ClinVar variation 98145 (VCV000098145.12), dbSNP rs63750787, ClinGen allele CA225257.

ClinVar aggregate classification (germline): Uncertain significance. Review status: criteria provided, multiple submitters, no conflicts (2 of 4 stars). 5 submissions from 5 submitters: Uncertain significance (3). 2 of the submissions do not count toward it. Last evaluated 2025-08-16.

Conditions:
GRN-related disorder. Also called: GRN-related disorders; GRN-related condition.
Inborn genetic diseases. Identifiers: MedGen C0950123, MeSH D030342.
GRN-related frontotemporal lobar degeneration with Tdp43 inclusions (FTD2). Also called: GRN Frontotemporal Dementia; FRONTOTEMPORAL DEMENTIA WITH TDP43 INCLUSIONS, GRN-RELATED; DEMENTIA, HEREDITARY DYSPHASIC DISINHIBITION; FRONTOTEMPORAL LOBAR DEGENERATION WITH UBIQUITIN-POSITIVE INCLUSIONS; FTLD-TDP, GRN-RELATED. Identifiers: Orphanet 100070, Orphanet 282, MedGen C1843792, MONDO:0011842, OMIM 607485. Disease mechanism: loss of function.
Neuronal ceroid lipofuscinosis 11. Also called: GRN-Related Neuronal Ceroid-Lipofuscinosis. Identifiers: Orphanet 314629, Orphanet 79262, MedGen C3539123, MONDO:0013866, OMIM 614706.

Allele frequency attached by ClinVar (database versions not stated): gnomAD exomes 0.00007 and 0.00010; ExAC 0.00008; gnomAD 0.00028 and 0.00029; TOPMed 0.00029; ESP Exome Variant Server 0.00038.
gnomAD v4.1: 146 of 1,613,944 alleles (0.009%); highest among the groups gnomAD compares: Admixed American, 0.063%; no homozygotes.

Submissions (5):

Labcorp Genetics (formerly Invitae), Labcorp
Classification: Uncertain significance for Neuronal ceroid lipofuscinosis 11; GRN-related frontotemporal lobar degeneration with Tdp43 inclusions. Last evaluated: 2025-08-16. Review status: criteria provided, single submitter. Criteria: Invitae Variant Classification Sherloc (09022015). Collection method: clinical testing. Allele origin: germline.
Comment: This sequence change replaces arginine, which is basic and polar, with glutamine, which is neutral and polar, at codon 212 of the GRN protein (p.Arg212Gln). This variant is present in population databases (rs63750787, gnomAD 0.03%). This missense change has been observed in individual(s) with frontotemporal dementia (PMID: 21800185). ClinVar contains an entry for this variant (Variation ID: 98145). Invitae Evidence Modeling of protein sequence and biophysical properties (such as structural, functional, and spatial information, amino acid conservation, physicochemical variation, residue mobility, and thermodynamic stability) indicates that this missense variant is not expected to disrupt GRN protein function with a negative predictive value of 80%. In summary, the available evidence is currently insufficient to determine the role of this variant in disease. Therefore, it has been classified as a Variant of Uncertain Significance.

Athena Diagnostics
Classification: Uncertain significance. Last evaluated: 2024-12-20. Review status: criteria provided, single submitter. Criteria: Athena Diagnostics Criteria. Collection method: clinical testing. Allele origin: unknown.
Comment: Available data are insufficient to determine the clinical significance of the variant at this time. The frequency of this variant in the general population is higher than would generally be expected for pathogenic variants in this gene. Polyphen and MutationTaster predict this amino acid change may be benign.

Ambry Genetics
Classification: Uncertain significance for Inborn genetic diseases. Last evaluated: 2021-04-20. Review status: criteria provided, single submitter. Criteria: Ambry Variant Classification Scheme 2023. Collection method: clinical testing. Allele origin: germline.
Comment: Unlikely to be causative of GRN-related frontotemporal dementia (AD) Based on insufficient or conflicting evidence, the clinical significance of this alteration remains unclear.

PreventionGenetics, part of Exact Sciences
Classification: Uncertain significance for GRN-related condition. Last evaluated: 2024-07-01. Review status: no assertion criteria provided. Collection method: clinical testing. Allele origin: germline. Not counted in ClinVar's aggregate classification.
Comment: The GRN c.635G>A variant is predicted to result in the amino acid substitution p.Arg212Gln. To our knowledge, this variant has been reported in one individual with frontotemporal dementia but pathogenicity was not confirmed (Bagnoli et al. 2011. PubMed ID: 21800185). This variant is reported in 0.028% of alleles in individuals of Latino descent in gnomAD. At this time, the clinical significance of this variant is uncertain due to the absence of conclusive functional and genetic evidence.

VIB  Department of Molecular Genetics, University of Antwerp
No classification provided. Review status: no classification provided. Collection method: not provided. Allele origin: unknown. Not counted in ClinVar's aggregate classification.

Literature cited by the submitters: PubMed 21800185 (cited by Labcorp Genetics (formerly Invitae), Labcorp and Athena Diagnostics); PubMed 17345602 (cited by Athena Diagnostics); PubMed 18565828 (cited by Athena Diagnostics); PubMed 18543312 (cited by Athena Diagnostics).